The following is an entry in ClinVar:

ClinVar aggregate classification (germline): Likely benign (1 of 4 stars; one submission).

gnomAD v4.1: 1 of 1,612,826 alleles (0.000062%); highest among the groups gnomAD compares: South Asian, 0.0011%; no homozygotes.

Submission:

CeGaT Center for Human Genetics Tuebingen
Classification: Likely benign. Last evaluated: 2025-04-01. Review status: criteria provided, single submitter. Criteria: CeGaT Center For Human Genetics Tuebingen Variant Classification Criteria Version 2. Collection method: clinical testing. Allele origin: germline. Affected: yes. Observed: 1 variant allele.
Comment: EPPK1: BP4, BP7

NM_031308.4(EPPK1):c.6645C>G (p.Arg2215=)

Gene: EPPK1 (epiplakin 1; minus strand). Cytogenetic location: 8q24.3.
Variant type: single nucleotide variant.
Coding change: c.6645C>G on transcript NM_031308.4 (MANE Select); coding-DNA position 6645, C replaced by G.
Protein change: p.Arg2215=; no amino-acid change (arginine 2215 retained).
Molecular consequence: synonymous variant.
Genome position (GRCh38, 1-based): chr8:143,866,609, G>C on the plus strand (C>G on the coding strand, the complement: EPPK1 is on the minus strand). VCF-style: chr8-143866609-G-C. GRCh37 (hg19) VCF-style: chr8-144940777-G-C.
Identifiers: ClinVar variation 3898099 (VCV003898099.7).